The following is an entry in ClinVar:

NM_020822.3(KCNT1):c.376A>G (p.Thr126Ala)

Gene: KCNT1 (potassium sodium-activated channel subfamily T member 1; plus strand). Cytogenetic location: 9q34.3.
Variant type: single nucleotide variant.
Coding change: c.376A>G on transcript NM_020822.3 (MANE Select); coding-DNA position 376, A replaced by G.
Protein change: p.Thr126Ala; replaces threonine 126 with alanine.
Molecular consequence: missense variant.
Genome position (GRCh38, 1-based): chr9:135,750,983, A>G. VCF-style: chr9-135750983-A-G. GRCh37 (hg19) VCF-style: chr9-138642829-A-G.
Other names: c.232A>G, p.Thr78Ala (NM_001272003.2); short protein forms T126A, T78A.
Identifiers: ClinVar variation 1706376 (VCV001706376.2), dbSNP rs1346233148, ClinGen allele CA375494969.
Genomic context (GRCh38, chr9:135,750,983, plus strand): 5'-GCCGCTGCCCTCCCCGCAGGCCTGAGGATCCGGCTGTTCAACTTCTCCCTGAAGCTGCTC[A>G]CCTGCCTGCTCTACATTGTGCGCGTCCTGCTCGATGACCCGGCCCTGGGCATCGGATGGT-3'
Protein context (NP_065873.2, residues 116-136): RLFNFSLKLL[Thr126Ala]CLLYIVRVLL

ClinVar aggregate classification (germline): Uncertain significance (1 of 4 stars; one submission).

Submission:

GeneDx
Classification: Uncertain significance. Last evaluated: 2022-03-16. Review status: criteria provided, single submitter. Criteria: GeneDx Variant Classification Process June 2021. Collection method: clinical testing. Allele origin: germline. Affected: yes.
Comment: Not observed at significant frequency in large population cohorts (gnomAD); In silico analysis supports that this missense variant has a deleterious effect on protein structure/function; Has not been previously published as pathogenic or benign to our knowledge